The following is an entry in ClinVar:

ClinVar aggregate classification (germline): Uncertain significance (0 of 4 stars; one submission).

Conditions:
Prostate cancer. Also called: Malignant tumor of prostate. Identifiers: Orphanet 1331, MedGen C0376358, MONDO:0008315, HP:0012125.

Allele frequency attached by ClinVar (database versions not stated): gnomAD exomes below 0.00001; ExAC 0.00001.
gnomAD v4.1: 4 of 1,614,154 alleles (0.00025%); highest among the groups gnomAD compares: Non-Finnish European, 0.00025%; no homozygotes.

Submission:

Science for Life laboratory,  Karolinska Institutet
Classification: Uncertain significance for Malignant tumor of prostate. Review status: no assertion criteria provided. Collection method: not provided. Allele origin: somatic.
Comment: TumorID:SWE-16
ClinVar note: Converted during submission from Unknown to Uncertain significance.

NM_003325.4(HIRA):c.820G>A (p.Val274Met)

Gene: HIRA (histone cell cycle regulator; minus strand). Cytogenetic location: 22q11.21.
Variant type: single nucleotide variant.
Coding change: c.820G>A on transcript NM_003325.4 (MANE Select); coding-DNA position 820, G replaced by A.
Protein change: p.Val274Met; replaces valine 274 with methionine.
Molecular consequence: missense variant.
Genome position (GRCh38, 1-based): chr22:19,394,344, C>T on the plus strand (G>A on the coding strand, the complement: HIRA is on the minus strand). VCF-style: chr22-19394344-C-T. GRCh37 (hg19) VCF-style: chr22-19381867-C-T.
Other names: short protein forms V274M.
Identifiers: ClinVar variation 161612 (VCV000161612.2), dbSNP rs193920856, ClinGen allele CA174450.